The following is an entry in ClinVar:

NM_022552.5(DNMT3A):c.2597+9dup

Gene: DNMT3A (DNA methyltransferase 3 alpha; minus strand). Cytogenetic location: 2p23.3.
Variant type: Duplication.
Coding change: c.2597+9dup on transcript NM_022552.5 (MANE Select); 9 bases into the intron after coding-DNA position 2597, one base duplicated (G; older notation c.2597+9dupG).
Molecular consequence: intron variant.
Genome position (GRCh38, 1-based): chr2:25,235,698, C duplicated on the plus strand (G on the coding strand, the reverse complement: DNMT3A is on the minus strand); the first of 3 consecutive C bases (chr2:25,235,698-25,235,700); duplicating any one gives the same sequence. VCF-style (leftmost placement, unchanged base first): chr2-25235697-A-AC. GRCh37 (hg19) VCF-style: chr2-25458566-A-AC.
Other names: c.2597+9dup (NM_175629.2); c.2030+9dup (NM_153759.3); c.2141+9dup (NM_001320893.1); c.1928+9dup (NM_001375819.1); c.2597+9dupG (NM_175629.2).
Identifiers: ClinVar variation 5001295 (VCV005001295.1).

ClinVar aggregate classification (germline): Likely benign (1 of 4 stars; one submission).

Conditions:
DNMT3A-related disorder. Also called: DNMT3A-related disorders; DNMT3A-related condition.

Submission:

PreventionGenetics, part of Exact Sciences
Classification: Likely benign for DNMT3A-related condition. Last evaluated: 2025-10-06. Review status: criteria provided, single submitter. Criteria: ACMG Guidelines, 2015. Collection method: clinical testing. Allele origin: germline.
Comment: This variant is classified as likely benign based on ACMG/AMP sequence variant interpretation guidelines (Richards et al. 2015 PMID: 25741868, with internal and published modifications).